The following is an entry in ClinVar:

NM_019109.5(ALG1):c.964A>C (p.Lys322Gln)

Gene: ALG1 (ALG1 chitobiosyldiphosphodolichol beta-mannosyltransferase; plus strand). Cytogenetic location: 16p13.3.
Variant type: single nucleotide variant.
Coding change: c.964A>C on transcript NM_019109.5 (MANE Select); coding-DNA position 964, A replaced by C.
Protein change: p.Lys322Gln; replaces lysine 322 with glutamine.
Molecular consequence: missense variant.
Genome position (GRCh38, 1-based): chr16:5,080,948, A>C. VCF-style: chr16-5080948-A-C. GRCh37 (hg19) VCF-style: chr16-5130949-A-C.
Other names: c.631A>C, p.Lys211Gln (NM_001330504.2); short protein forms K211Q, K322Q.
Identifiers: ClinVar variation 2092175 (VCV002092175.4), dbSNP rs2505868635, ClinGen allele CA394672537.

ClinVar aggregate classification (germline): Uncertain significance (1 of 4 stars; one submission).

Conditions:
ALG1-congenital disorder of glycosylation. Also called: CONGENITAL DISORDER OF GLYCOSYLATION, TYPE Ik; ALG1-CDG; CDG Ik. Identifiers: Orphanet 79327, MedGen C2931005, MONDO:0012052, OMIM 608540.

Submission:

Labcorp Genetics (formerly Invitae), Labcorp
Classification: Uncertain significance for ALG1-congenital disorder of glycosylation. Last evaluated: 2022-02-02. Review status: criteria provided, single submitter. Criteria: Invitae Variant Classification Sherloc (09022015). Collection method: clinical testing. Allele origin: germline.
Comment: This variant has not been reported in the literature in individuals affected with ALG1-related conditions. This variant is not present in population databases (gnomAD no frequency). This sequence change replaces lysine, which is basic and polar, with glutamine, which is neutral and polar, at codon 322 of the ALG1 protein (p.Lys322Gln). Algorithms developed to predict the effect of missense changes on protein structure and function are either unavailable or do not agree on the potential impact of this missense change (SIFT: "Tolerated"; PolyPhen-2: "Possibly Damaging"; Align-GVGD: "Class C0"). In summary, the available evidence is currently insufficient to determine the role of this variant in disease. Therefore, it has been classified as a Variant of Uncertain Significance.